The following is an entry in ClinVar:

NM_014974.3(DIP2C):c.3328C>T (p.Leu1110Phe)

Genes: DIP2C (DIP2 acetate--CoA ligase C (putative); minus strand), LOC126860805 (BRD4-independent group 4 enhancer GRCh37_chr10:390524-391723; plus strand). Cytogenetic location: 10p15.3.
Variant type: single nucleotide variant.
Coding change: c.3328C>T on transcript NM_014974.3 (MANE Select); coding-DNA position 3328, C replaced by T.
Protein change: p.Leu1110Phe; replaces leucine 1110 with phenylalanine.
Molecular consequence: missense variant.
Genome position (GRCh38, 1-based): chr10:345,014, G>A on the plus strand (C>T on the coding strand, the complement: DIP2C is on the minus strand). VCF-style: chr10-345014-G-A. GRCh37 (hg19) VCF-style: chr10-390954-G-A.
Other names: short protein forms L1110F.
Identifiers: ClinVar variation 1395418 (VCV001395418.6), dbSNP rs200060795, ClinGen allele CA5380019.
Genomic context (GRCh38, chr10:345,014, plus strand): 5'-GAGCAAGGCCGTGAGCAAACCACCTTCTGCAGCTAAAGCACCAACCTGTGTCCAGGATGA[G>A]GGGCCACGTCCTGACGTCCACAGCCGCCGCCGCCTCCCTGGACCGCAGCAACTTACAGAT-3'
Protein context (NP_055789.1, residues 1100-1120): AAAVDVRTWP[Leu1110Phe]ILDTDDLPKK

ClinVar aggregate classification (germline): Uncertain significance (1 of 4 stars; one submission).

Allele frequency attached by ClinVar (database versions not stated): gnomAD exomes 0.00006 and 0.00018; ExAC 0.00009; gnomAD 0.00009; TOPMed 0.00009; 1000 Genomes Project 30x 0.00016; 1000 Genomes Project 0.00020.
gnomAD v4.1: 280 of 1,612,850 alleles (0.017%); highest among the groups gnomAD compares: Non-Finnish European, 0.023%; no homozygotes.

Submission:

Labcorp Genetics (formerly Invitae), Labcorp
Classification: Uncertain significance. Last evaluated: 2025-07-27. Review status: criteria provided, single submitter. Criteria: Invitae Variant Classification Sherloc (09022015). Collection method: clinical testing. Allele origin: germline.
Comment: This sequence change replaces leucine, which is neutral and non-polar, with phenylalanine, which is neutral and non-polar, at codon 1110 of the DIP2C protein (p.Leu1110Phe). This variant is present in population databases (rs200060795, gnomAD 0.01%). This variant has not been reported in the literature in individuals affected with DIP2C-related conditions. ClinVar contains an entry for this variant (Variation ID: 1395418). An algorithm developed to predict the effect of missense changes on protein structure and function (PolyPhen-2) suggests that this variant is likely to be disruptive. In summary, the available evidence is currently insufficient to determine the role of this variant in disease. Therefore, it has been classified as a Variant of Uncertain Significance.